The following is an entry in ClinVar:

NM_000053.4(ATP7B):c.3594C>A (p.Val1198=)

Gene: ATP7B (ATPase copper transporting beta; minus strand). Cytogenetic location: 13q14.3.
Variant type: single nucleotide variant.
Coding change: c.3594C>A on transcript NM_000053.4 (MANE Select); coding-DNA position 3594, C replaced by A.
Protein change: p.Val1198=; no amino-acid change (valine 1198 retained).
Molecular consequence: synonymous variant.
Genome position (GRCh38, 1-based): chr13:51,939,156, G>T on the plus strand (C>A on the coding strand, the complement: ATP7B is on the minus strand). VCF-style: chr13-51939156-G-T. GRCh37 (hg19) VCF-style: chr13-52513292-G-T.
Other names: c.3594C>A, p.Val1198= (NM_001406511.1, NM_001406512.1, NM_001406526.1); c.3588C>A, p.Val1196= (NM_001406513.1); c.3561C>A, p.Val1187= (NM_001406514.1); c.3540C>A, p.Val1180= (NM_001406515.1, NM_001406516.1); c.3498C>A, p.Val1166= (NM_001406517.1, NM_001406518.1); c.3459C>A, p.Val1153= (NM_001406519.1); c.3450C>A, p.Val1150= (NM_001406520.1, NM_001406521.1, NM_001406522.1); c.3411C>A, p.Val1137= (NM_001406523.1); and 20 more.
Identifiers: ClinVar variation 3387428 (VCV003387428.1).

ClinVar aggregate classification (germline): Likely benign (1 of 4 stars; one submission).

Conditions:
Wilson disease (WND). Also called: Wilson's disease. Identifiers: Orphanet 905, MedGen C0019202, MONDO:0010200, OMIM 277900. Disease mechanism: loss of function.

Submission:

All of Us Research Program, National Institutes of Health
Classification: Likely benign for Wilson disease. Last evaluated: 2024-05-14. Review status: criteria provided, single submitter. Criteria: ACMG Guidelines, 2015. Collection method: clinical testing. Allele origin: germline. Inheritance: Autosomal recessive inheritance. Observed: 1 variant allele, 1 heterozygote.
Comment: This study involves interpretation of variants in research participants for the purpose of population health screening. Participant phenotype was not available at the time of variant classification. Additional details can be found in publication PMID: 35346344, PMCID: PMC8962531